The following is an entry in ClinVar:

ClinVar aggregate classification (germline): Likely benign. Review status: criteria provided, multiple submitters, no conflicts (2 of 4 stars). 2 submissions from 2 submitters: Likely benign (2). Last evaluated 2018-06-16.

Allele frequency attached by ClinVar (database versions not stated): TOPMed 0.01154; gnomAD 0.01309 and 0.01319; gnomAD exomes 0.01678; 1000 Genomes Project 30x 0.00531; 1000 Genomes Project 0.00539.
gnomAD v4.1: 13,211 of 825,084 alleles (1.6%); highest among the groups gnomAD compares: Non-Finnish European, 2.1%; 149 homozygotes.

Submissions (2):

GeneDx
Classification: Likely benign. Last evaluated: 2018-06-16. Review status: criteria provided, single submitter. Criteria: GeneDx Variant Classification (06012015). Collection method: clinical testing. Allele origin: germline. Affected: yes.
Comment: This variant is considered likely benign or benign based on one or more of the following criteria: it is a conservative change, it occurs at a poorly conserved position in the protein, it is predicted to be benign by multiple in silico algorithms, and/or has population frequency not consistent with disease.

Breakthrough Genomics
Classification: Likely benign. Review status: criteria provided, single submitter. Criteria: ACMG Guidelines, 2015. Collection method: not provided. Allele origin: germline. Inheritance: Autosomal dominant inheritance. Affected: yes.

NM_000548.5(TSC2):c.3815-155A>G

Gene: TSC2 (TSC complex subunit 2; plus strand). Cytogenetic location: 16p13.3.
Variant type: single nucleotide variant.
Coding change: c.3815-155A>G on transcript NM_000548.5 (MANE Select); 155 bases into the intron before coding-DNA position 3815, A replaced by G.
Molecular consequence: intron variant.
Genome position (GRCh38, 1-based): chr16:2,082,281, A>G. VCF-style: chr16-2082281-A-G. GRCh37 (hg19) VCF-style: chr16-2132282-A-G.
Other names: c.3814+483A>G (NM_001114382.3); c.3686-155A>G (NM_021055.3, NM_001370405.1); c.3685+483A>G (NM_001363528.2); c.3683-155A>G (NM_001370404.1); c.3682+483A>G (NM_001077183.3); c.3574+483A>G (NM_001318827.2); c.3083-155A>G (NM_001318831.2); c.3538+483A>G (NM_001318829.2); and 1 more.
Identifiers: ClinVar variation 677818 (VCV000677818.2), dbSNP rs187607083, ClinGen allele CA14236174.